The following is an entry in ClinVar:

ClinVar aggregate classification (germline): Uncertain significance (1 of 4 stars; one submission).

Submission:

Ambry Genetics
Classification: Uncertain significance. Last evaluated: 2024-03-08. Review status: criteria provided, single submitter. Criteria: Ambry Variant Classification Scheme 2023. Collection method: clinical testing. Allele origin: germline.
Comment: The c.1333C>T (p.Q445*) alteration, located in exon 7 (coding exon 7) of the NPAS4 gene, consists of a C to T substitution at nucleotide position 1333. This changes the amino acid from a glutamine (Q) to a stop codon at amino acid position 445. This alteration is expected to result in loss of function by premature protein truncation or nonsense-mediated mRNA decay. However, loss-of-function of NPAS4 has not been established as a mechanism of disease. This variant was not reported in population-based cohorts in the Genome Aggregation Database (gnomAD). Based on insufficient or conflicting evidence, the clinical significance of this alteration remains unclear.

NM_178864.4(NPAS4):c.1333C>T (p.Gln445Ter)

Gene: NPAS4 (neuronal PAS domain protein 4; plus strand). Cytogenetic location: 11q13.2.
Variant type: single nucleotide variant.
Coding change: c.1333C>T on transcript NM_178864.4 (MANE Select); coding-DNA position 1333, C replaced by T.
Protein change: p.Gln445Ter; replaces glutamine 445 with a stop codon.
Molecular consequence: nonsense.
Genome position (GRCh38, 1-based): chr11:66,424,223, C>T. VCF-style: chr11-66424223-C-T. GRCh37 (hg19) VCF-style: chr11-66191694-C-T.
Other names: c.703C>T, p.Gln235Ter (NM_001318804.1); short protein forms Q445*, Q235*.
Identifiers: ClinVar variation 3201538 (VCV003201538.1), dbSNP rs2495539666, ClinGen allele CA381409428.